The following is an entry in ClinVar:

ClinVar aggregate classification (germline): Uncertain significance (1 of 4 stars; one submission).

Allele frequency attached by ClinVar (database versions not stated): gnomAD exomes 0.00001.
gnomAD v4.1: 4 of 1,200,931 alleles (0.00033%); highest among the groups gnomAD compares: Non-Finnish European, 0.00045%; no homozygotes.

Submission:

Labcorp Genetics (formerly Invitae), Labcorp
Classification: Uncertain significance. Last evaluated: 2024-01-29. Review status: criteria provided, single submitter. Criteria: Invitae Variant Classification Sherloc (09022015). Collection method: clinical testing. Allele origin: germline.
Comment: This sequence change falls in intron 47 of the CACNA1F gene. It does not directly change the encoded amino acid sequence of the CACNA1F protein. It affects a nucleotide within the consensus splice site. The frequency data for this variant in the population databases is considered unreliable, as metrics indicate poor data quality at this position in the gnomAD database. This variant has not been reported in the literature in individuals affected with CACNA1F-related conditions. Variants that disrupt the consensus splice site are a relatively common cause of aberrant splicing (PMID: 17576681, 9536098). Algorithms developed to predict the effect of sequence changes on RNA splicing suggest that this variant is not likely to affect RNA splicing. In summary, the available evidence is currently insufficient to determine the role of this variant in disease. Therefore, it has been classified as a Variant of Uncertain Significance.

Literature cited by the submitters: PubMed 17576681; PubMed 9536098.

NM_001256789.3(CACNA1F):c.5670+3G>A

Gene: CACNA1F (calcium voltage-gated channel subunit alpha1 F; minus strand). Cytogenetic location: Xp11.23.
Variant type: single nucleotide variant.
Coding change: c.5670+3G>A on transcript NM_001256789.3 (MANE Select); 3 bases into the intron after coding-DNA position 5670, G replaced by A.
Molecular consequence: intron variant.
Genome position (GRCh38, 1-based): chrX:49,205,613, C>T on the plus strand (G>A on the coding strand, the complement: CACNA1F is on the minus strand). VCF-style: chrX-49205613-C-T. GRCh37 (hg19) VCF-style: chrX-49062073-C-T.
Other names: c.5703+3G>A (NM_005183.4); c.5508+3G>A (NM_001256790.3).
Identifiers: ClinVar variation 2705094 (VCV002705094.3), dbSNP rs1557104662, ClinGen allele CA641902850.